The following is an entry in ClinVar:

NM_001297.5(CNGB1):c.217+8C>T

Gene: CNGB1 (cyclic nucleotide gated channel subunit beta 1; minus strand). Cytogenetic location: 16q21.
Variant type: single nucleotide variant.
Coding change: c.217+8C>T on transcript NM_001297.5 (MANE Select); 8 bases into the intron after coding-DNA position 217, C replaced by T.
Molecular consequence: intron variant.
Genome position (GRCh38, 1-based): chr16:57,964,479, G>A on the plus strand (C>T on the coding strand, the complement: CNGB1 is on the minus strand). VCF-style: chr16-57964479-G-A. GRCh37 (hg19) VCF-style: chr16-57998383-G-A.
Other names: c.217+8C>T (NM_001297.4, NM_001286130.2, NM_001135639.2).
Identifiers: ClinVar variation 1138013 (VCV001138013.10), dbSNP rs765712517, ClinGen allele CA8083957.

ClinVar aggregate classification (germline): Likely benign. Review status: criteria provided, multiple submitters, no conflicts (2 of 4 stars). 2 submissions from 2 submitters: Likely benign (2). Last evaluated 2025-12-22.

Conditions:
CNGB1-related disorder. Also called: CNGB1-related condition.

Allele frequency attached by ClinVar (database versions not stated): gnomAD exomes 0.00006; ExAC 0.00007.
gnomAD v4.1: 70 of 1,613,806 alleles (0.0043%); highest among the groups gnomAD compares: South Asian, 0.034%; no homozygotes.

Submissions (2):

Labcorp Genetics (formerly Invitae), Labcorp
Classification: Likely benign. Last evaluated: 2025-12-22. Review status: criteria provided, single submitter. Criteria: Invitae Variant Classification Sherloc (09022015). Collection method: clinical testing. Allele origin: germline.

PreventionGenetics, part of Exact Sciences
Classification: Likely benign for CNGB1-related condition. Last evaluated: 2025-11-06. Review status: criteria provided, single submitter. Criteria: ACMG Guidelines, 2015. Collection method: clinical testing. Allele origin: germline.
Comment: This variant is classified as likely benign based on ACMG/AMP sequence variant interpretation guidelines (Richards et al. 2015 PMID: 25741868, with internal and published modifications).